The following is an entry in ClinVar:

ClinVar aggregate classification (germline): Pathogenic (1 of 4 stars; one submission).

Conditions:
Nance-Horan syndrome (NHS). Identifiers: Orphanet 627, MedGen C0796085, MONDO:0010545, OMIM 302350.

Submission:

Labcorp Genetics (formerly Invitae), Labcorp
Classification: Pathogenic for Nance-Horan syndrome. Last evaluated: 2018-02-23. Review status: criteria provided, single submitter. Criteria: Invitae Variant Classification Sherloc (09022015). Collection method: clinical testing. Allele origin: germline.
Comment: A gross deletion of the genomic region encompassing the full coding sequence of the NHS gene has been identified. The boundaries of this event are unknown as the deletion extends beyond the assayed region for this gene and therefore may encompass additional genes. Isolated whole-gene deletions of NHS have not been reported in the literature. However, larger copy number events that include this gene have been reported (PMID: 18018428, 17256798, 20882036). Loss-of-function variants in NHS are known to be pathogenic (PMID: 14564667, 19414485). For these reasons, this variant has been classified as Pathogenic.

Literature cited by the submitters: PubMed 18018428; PubMed 17256798; PubMed 20882036.

NC_000023.10:g.(?_17393861)_(17753592_?)del

Gene: NHS (NHS actin remodeling regulator; plus strand). Cytogenetic location: Xp22.13.
Variant type: Deletion.
Identifiers: ClinVar variation 584066 (VCV000584066.1).